The following is an entry in ClinVar:

ClinVar aggregate classification (germline): Likely benign. Review status: criteria provided, multiple submitters, no conflicts (2 of 4 stars). 3 submissions from 3 submitters: Likely benign (3). Last evaluated 2025-08-14.

Conditions:
Familial thoracic aortic aneurysm and aortic dissection (TAAD). Also called: Thoracic aortic aneurysms and dissections. Identifiers: Orphanet 91387, MedGen C4707243, MONDO:0019625.
Congenital contractural arachnodactyly (CCA). Also called: BEALS SYNDROME; Arthrogryposis, distal, type 9; Beals-Hecht syndrome. Identifiers: Orphanet 115, MedGen C0220668, MONDO:0007363, OMIM 121050.

Allele frequency attached by ClinVar (database versions not stated): gnomAD exomes below 0.00001; TOPMed below 0.00001; ExAC 0.00001.
gnomAD v4.1: 1 of 1,614,144 alleles (0.000062%); highest among the groups gnomAD compares: Non-Finnish European, 0.000085%; no homozygotes.

Submissions (3):

Labcorp Genetics (formerly Invitae), Labcorp
Classification: Likely benign for Congenital contractural arachnodactyly. Last evaluated: 2025-08-14. Review status: criteria provided, single submitter. Criteria: Invitae Variant Classification Sherloc (09022015). Collection method: clinical testing. Allele origin: germline.

Ambry Genetics
Classification: Likely benign for Familial thoracic aortic aneurysm and aortic dissection. Last evaluated: 2024-08-28. Review status: criteria provided, single submitter. Criteria: Ambry Variant Classification Scheme 2023. Collection method: clinical testing. Allele origin: germline.

GeneDx
Classification: Likely benign. Last evaluated: 2015-12-07. Review status: criteria provided, single submitter. Criteria: GeneDx Variant Classification (06012015). Collection method: clinical testing. Allele origin: germline. Affected: yes.
Comment: This variant is considered likely benign or benign based on one or more of the following criteria: it is a conservative change, it occurs at a poorly conserved position in the protein, it is predicted to be benign by multiple in silico algorithms, and/or has population frequency not consistent with disease.

NM_001999.4(FBN2):c.1167C>T (p.Cys389=)

Gene: FBN2 (fibrillin 2; minus strand). Cytogenetic location: 5q23.3.
Variant type: single nucleotide variant.
Coding change: c.1167C>T on transcript NM_001999.4 (MANE Select); coding-DNA position 1167, C replaced by T.
Protein change: p.Cys389=; no amino-acid change (cysteine 389 retained).
Molecular consequence: synonymous variant.
Genome position (GRCh38, 1-based): chr5:128,395,186, G>A on the plus strand (C>T on the coding strand, the complement: FBN2 is on the minus strand). VCF-style: chr5-128395186-G-A. GRCh37 (hg19) VCF-style: chr5-127730879-G-A.
Identifiers: ClinVar variation 382009 (VCV000382009.3), dbSNP rs757599652, ClinGen allele CA3395867.